The following is an entry in ClinVar:

NM_000038.6(APC):c.1548+1G>A

Gene: APC (APC regulator of Wnt signaling pathway; plus strand). Cytogenetic location: 5q22.2.
Variant type: single nucleotide variant.
Coding change: c.1548+1G>A on transcript NM_000038.6 (MANE Select); the canonical splice donor site of the intron after coding-DNA position 1548, G replaced by A.
Molecular consequence: splice donor variant.
Genome position (GRCh38, 1-based): chr5:112,827,248, G>A. VCF-style: chr5-112827248-G-A. GRCh37 (hg19) VCF-style: chr5-112162945-G-A.
Other names: c.699+1G>A (NM_001407470.1, NM_001354906.2); c.396+1G>A (NM_001407472.1, NM_001407471.1); c.1602+1G>A (NM_001407447.1, NM_001407448.1, NM_001407449.1 and 1 more transcripts); c.1548+1G>A (NM_001354895.2, NM_001407450.1, NM_001127510.3); c.1299+1G>A (NM_001407456.1, NM_001407457.1, NM_001407455.1 and 1 more transcripts); c.1245+1G>A (NM_001407460.1, NM_001407458.1, NM_001407459.1 and 1 more transcripts); c.1518+1G>A (NM_001407452.1); c.1161+1G>A (NM_001407469.1, NM_001407467.1); and 11 more.
Identifiers: ClinVar variation 469712 (VCV000469712.16), dbSNP rs1114167599, ClinGen allele CA360619892.

ClinVar aggregate classification (germline): Pathogenic. Review status: criteria provided, multiple submitters, no conflicts (2 of 4 stars). 6 submissions from 6 submitters: Pathogenic (6). Last evaluated 2026-02-25.

Conditions:
Familial adenomatous polyposis 1 (FAP1). Also called: FAMILIAL ADENOMATOUS POLYPOSIS 1, ATTENUATED; POLYPOSIS, ADENOMATOUS INTESTINAL. Identifiers: MedGen C2713442, MONDO:0021056, OMIM 175100. Disease mechanism: loss of function.
Familial multiple polyposis syndrome (FAP). Also called: Classic familial adenomatous polyposis; Familial adenomatous polyposis; Familial intestinal polyposis; Familial polyposis; Familial Adenomatous Polyposis (FAP). Identifiers: Orphanet 733, MedGen C0032580, MONDO:0021055. Disease mechanism: loss of function.
Hereditary cancer-predisposing syndrome. Also called: Tumor predisposition; Hereditary Cancer Syndrome; Neoplastic Syndromes, Hereditary; Hereditary neoplastic syndrome. Identifiers: Orphanet 140162, MedGen C0027672, MeSH D009386, MONDO:0015356.

gnomAD v4.1: 1 of 1,613,686 alleles (0.000062%); no homozygotes.

Submissions (6):

Myriad Genetics, Inc.
Classification: Pathogenic for Familial adenomatous polyposis 1. Last evaluated: 2026-02-25. Review status: criteria provided, single submitter. Criteria: Myriad Autosomal Dominant, Autosomal Recessive and X-Linked Classification Criteria (2023). Collection method: clinical testing. Allele origin: unknown.
Comment: This variant is considered pathogenic. This variant occurs within a consensus splice junction and is predicted to result in abnormal mRNA splicing of either an out-of-frame exon or an in-frame exon necessary for protein stability and/or normal function. This variant has shown to segregate with cancer in one or more families [PMID: 11933206].

Labcorp Genetics (formerly Invitae), Labcorp
Classification: Pathogenic for Familial adenomatous polyposis 1. Last evaluated: 2025-10-01. Review status: criteria provided, single submitter. Criteria: Invitae Variant Classification Sherloc (09022015). Collection method: clinical testing. Allele origin: germline.
Comment: This sequence change affects a donor splice site in intron 12 of the APC gene. It is expected to disrupt RNA splicing. Variants that disrupt the donor or acceptor splice site typically lead to a loss of protein function (PMID: 16199547), and loss-of-function variants in APC are known to be pathogenic (PMID: 17963004, 20685668). This variant is not present in population databases (gnomAD no frequency). Disruption of this splice site has been observed in individual(s) with familial adenomatous polyposis or colorectal cancer (PMID: 11933206, 20685668, 25604157). It has also been observed to segregate with disease in related individuals. This variant is also known as IVS11+1G>A. ClinVar contains an entry for this variant (Variation ID: 469712). Algorithms developed to predict the effect of sequence changes on RNA splicing suggest that this variant may disrupt the consensus splice site. For these reasons, this variant has been classified as Pathogenic.

Molecular Diagnostics Laboratory, Catalan Institute of Oncology
Classification: Pathogenic for Hereditary cancer-predisposing syndrome. Last evaluated: 2025-02-27. Review status: criteria provided, single submitter. Criteria: ClinGen ACMG Specifications APC V1.0.0. Collection method: clinical testing. Allele origin: germline.
Comment: PVS1, PM2_Supporting, PM6_Supporting, PP1_Moderate c.1548+1G>A, located in a canonic splicing site of the APC gene is predicted to alter splicing (PVS1).It is not present in the population database gnomAD v2.1.1, non cancer dataset (PM2_Supporting). SpliceAI predicts, with a significant score, that the variant abolishes the splicing donor site in intron 12. It has been reported in ClinVar (4x pathogenic) and LOVD (14x pathogenic) databases. This variant was reported in multiple individuals with features consistent with APC-associated polyposis conditions and segregates with disease in 11 affected relatives from 1 family (PMID: 11933206, PMID: 22987206, PMID: 20685668)(PP1_Moderate). Based on currently available information, the variant c.1548+1G>A is classified as a pathogenic variant according to ClinGen-APC Guidelines version 1.

Ambry Genetics
Classification: Pathogenic for Hereditary cancer-predisposing syndrome. Last evaluated: 2024-10-25. Review status: criteria provided, single submitter. Criteria: Ambry Variant Classification Scheme 2023. Collection method: clinical testing. Allele origin: germline.
Comment: The c.1548+1G>A intronic pathogenic mutation results from a G to A substitution one nucleotide after coding exon 11 of the APC gene. This variant was reported in multiple individuals with features consistent with APC-associated polyposis conditions (Kohoutov&aacute; M et al. Hum Mutat, 2002 Apr;19:460-1; Lagarde A et al. J Med Genet, 2010 Oct;47:721-2; Schwarzov&aacute; L et al. Fam Cancer, 2013 Mar;12:35-42; Out AA et al. Fam Cancer, 2015 Jun;14:247-57; Morcrette G et al. Oncoimmunology, 2019 Mar;8:e1583547; Ambry internal data). This variant is considered to be rare based on population cohorts in the Genome Aggregation Database (gnomAD). Alterations that disrupt the canonical splice site are expected to cause aberrant splicing, resulting in an abnormal protein or a transcript that is subject to nonsense-mediated mRNA decay. This nucleotide position is highly conserved in available vertebrate species. In silico splice site analysis predicts that this alteration will weaken the native splice donor site and will result in the creation or strengthening of a novel splice donor site. RNA studies have demonstrated that this alteration results in abnormal splicing in the set of samples tested (Ambry internal data). Based on the supporting evidence, this variant is interpreted as a disease-causing mutation.

Baylor Genetics
Classification: Pathogenic for Familial adenomatous polyposis 1. Last evaluated: 2023-10-09. Review status: criteria provided, single submitter. Criteria: ACMG Guidelines, 2015. Collection method: clinical testing. Allele origin: unknown.

Laboratory for Molecular Medicine, Mass General Brigham Personalized Medicine
Classification: Pathogenic for Familial multiple polyposis syndrome. Last evaluated: 2016-09-20. Review status: criteria provided, single submitter. Criteria: ACMG Guidelines, 2015. Collection method: clinical testing. Allele origin: germline. Inheritance: Autosomal dominant inheritance.
Comment: The c.1548+1G>A variant in APC has been reported in >10 individuals with familial adenomatous polyposis (FAP), segregated with disease in 11 affected relatives from 1 family (Kohoutova 2002 and InSiGHT Colon Cancer database), and was absent from large population studies. Functional studies of patient tissues provide some evidence that the c.1548+1G>A variant may impact protein function (Schwarzova 2013). This variant occurs in the invariant region (+/- 1,2) of the splice consensus sequence and is predicted to cause altered splicing leading to an abnormal or absent protein. Heterozygous loss of function of the APC gene is an established disease mechanism in individuals with FAP. In summary, this variant meets our criteria to be classified as pathogenic for FAP in an autosomal dominant manner based upon segregation studies, absence from controls, and functional evidence.

Literature cited by the submitters: PubMed 11933206 (cited by 4 submitters); PubMed 16199547 (cited by Labcorp Genetics (formerly Invitae), Labcorp); PubMed 17963004 (cited by Labcorp Genetics (formerly Invitae), Labcorp); PubMed 20685668 (cited by Labcorp Genetics (formerly Invitae), Labcorp and Ambry Genetics); PubMed 25604157 (cited by Labcorp Genetics (formerly Invitae), Labcorp and Ambry Genetics); PubMed 22987206 (cited by Ambry Genetics and Laboratory for Molecular Medicine, Mass General Brigham Personalized Medicine); PubMed 31069152 (cited by Ambry Genetics).